The following is an entry in ClinVar:

ClinVar aggregate classification (germline): Uncertain significance (1 of 4 stars; one submission).

Allele frequency attached by ClinVar (database versions not stated): TOPMed 0.00003.
gnomAD v4.1: 62 of 1,605,824 alleles (0.0039%); highest among the groups gnomAD compares: Non-Finnish European, 0.0046%; no homozygotes.

Submission:

Labcorp Genetics (formerly Invitae), Labcorp
Classification: Uncertain significance. Last evaluated: 2022-02-10. Review status: criteria provided, single submitter. Criteria: Invitae Variant Classification Sherloc (09022015). Collection method: clinical testing. Allele origin: germline.
Comment: This sequence change replaces glutamine, which is neutral and polar, with lysine, which is basic and polar, at codon 606 of the CEP152 protein (p.Gln606Lys). This variant is present in population databases (rs772017489, gnomAD 0.008%). This variant has not been reported in the literature in individuals affected with CEP152-related conditions. Algorithms developed to predict the effect of missense changes on protein structure and function (SIFT, PolyPhen-2, Align-GVGD) all suggest that this variant is likely to be tolerated. In summary, the available evidence is currently insufficient to determine the role of this variant in disease. Therefore, it has been classified as a Variant of Uncertain Significance.

NM_001194998.2(CEP152):c.1816C>A (p.Gln606Lys)

Gene: CEP152 (centrosomal protein 152; minus strand). Cytogenetic location: 15q21.1.
Variant type: single nucleotide variant.
Coding change: c.1816C>A on transcript NM_001194998.2 (MANE Select); coding-DNA position 1816, C replaced by A.
Protein change: p.Gln606Lys; replaces glutamine 606 with lysine.
Molecular consequence: missense variant.
Genome position (GRCh38, 1-based): chr15:48,769,048, G>T on the plus strand (C>A on the coding strand, the complement: CEP152 is on the minus strand). VCF-style: chr15-48769048-G-T. GRCh37 (hg19) VCF-style: chr15-49061245-G-T.
Other names: c.1816C>A, p.Gln606Lys (NM_014985.4); short protein forms Q606K.
Identifiers: ClinVar variation 1389660 (VCV001389660.3), dbSNP rs772017489, ClinGen allele CA7548735.